The following is an entry in ClinVar:

ClinVar aggregate classification (germline): Uncertain significance (1 of 4 stars; one submission).

Conditions:
Ehlers-Danlos syndrome, type 4 (EDSVASC). Also called: Ehlers-Danlos syndrome vascular type; Ehlers Danlos syndrome, ecchymotic type; Ehlers Danlos syndrome, arterial type; Ehlers Danlos syndrome, Sack-Barabas type; Ehlers-Danlos Syndrome Type IV. Identifiers: Orphanet 286, MedGen C0268338, MONDO:0017314, OMIM 130050.

Submission:

Labcorp Genetics (formerly Invitae), Labcorp
Classification: Uncertain significance for Ehlers-Danlos syndrome, type 4. Last evaluated: 2018-01-09. Review status: criteria provided, single submitter. Criteria: Invitae Variant Classification Sherloc (09022015). Collection method: clinical testing. Allele origin: germline.
Comment: This sequence change falls in intron 28 of the COL3A1 gene. It does not directly change the encoded amino acid sequence of the COL3A1 protein, but it affects a nucleotide within the consensus splice site of the intron. A different variant affecting this nucleotide (c.1977+5G>A) has been reported in an individual affected with vascular Ehlers-Danlos syndrome (PMID: 25758994). In summary, the available evidence is currently insufficient to determine the role of this variant in disease. Therefore, it has been classified as a Variant of Uncertain Significance. Nucleotide substitutions within the consensus splice site are a relatively common cause of aberrant splicing (PMID: 17576681, 9536098). Algorithms developed to predict the effect of sequence changes on RNA splicing suggest that this variant may disrupt the consensus splice site, but this prediction has not been confirmed by published transcriptional studies. This variant has not been reported in the literature in individuals with COL3A1-related disease. This variant is not present in population databases (ExAC no frequency).

Literature cited by the submitters: PubMed 25758994; PubMed 17576681; PubMed 9536098.

NM_000090.4(COL3A1):c.1977+5G>C

Gene: COL3A1 (collagen type III alpha 1 chain; plus strand). Cytogenetic location: 2q32.2.
Variant type: single nucleotide variant.
Coding change: c.1977+5G>C on transcript NM_000090.4 (MANE Select); 5 bases into the intron after coding-DNA position 1977, G replaced by C.
Molecular consequence: intron variant.
Genome position (GRCh38, 1-based): chr2:188,998,324, G>C. VCF-style: chr2-188998324-G-C. GRCh37 (hg19) VCF-style: chr2-189863050-G-C.
Identifiers: ClinVar variation 529311 (VCV000529311.9), dbSNP rs1553508544, ClinGen allele CA658796119.